The following is an entry in ClinVar:

ClinVar aggregate classification (germline): Uncertain significance (1 of 4 stars; one submission).

Submission:

Labcorp Genetics (formerly Invitae), Labcorp
Classification: Uncertain significance. Last evaluated: 2023-05-23. Review status: criteria provided, single submitter. Criteria: Invitae Variant Classification Sherloc (09022015). Collection method: clinical testing. Allele origin: germline.
Comment: Advanced modeling of protein sequence and biophysical properties (such as structural, functional, and spatial information, amino acid conservation, physicochemical variation, residue mobility, and thermodynamic stability) performed at Invitae indicates that this missense variant is not expected to disrupt AK7 protein function. In summary, the available evidence is currently insufficient to determine the role of this variant in disease. Therefore, it has been classified as a Variant of Uncertain Significance. This variant has not been reported in the literature in individuals affected with AK7-related conditions. This variant is not present in population databases (gnomAD no frequency). This sequence change replaces alanine, which is neutral and non-polar, with glutamic acid, which is acidic and polar, at codon 626 of the AK7 protein (p.Ala626Glu).

NM_152327.5(AK7):c.1877C>A (p.Ala626Glu)

Gene: AK7 (adenylate kinase 7; plus strand). Cytogenetic location: 14q32.2.
Variant type: single nucleotide variant.
Coding change: c.1877C>A on transcript NM_152327.5 (MANE Select); coding-DNA position 1877, C replaced by A.
Protein change: p.Ala626Glu; replaces alanine 626 with glutamic acid.
Molecular consequence: missense variant.
Genome position (GRCh38, 1-based): chr14:96,483,122, C>A. VCF-style: chr14-96483122-C-A. GRCh37 (hg19) VCF-style: chr14-96949459-C-A.
Other names: c.1808C>A, p.Ala603Glu (NM_001350888.2, NM_001350890.2); c.1799C>A, p.Ala600Glu (NM_001350891.2); c.1679C>A, p.Ala560Glu (NM_001350892.2); short protein forms A600E, A603E, A560E, A626E.
Identifiers: ClinVar variation 2996875 (VCV002996875.2), dbSNP rs759044085, ClinGen allele CA390924787.